The following is an entry in ClinVar:

NM_025137.4(SPG11):c.7024G>T (p.Asp2342Tyr)

Gene: SPG11 (SPG11 vesicle trafficking associated, spatacsin; minus strand). Cytogenetic location: 15q21.1.
Variant type: single nucleotide variant.
Coding change: c.7024G>T on transcript NM_025137.4 (MANE Select); coding-DNA position 7024, G replaced by T.
Protein change: p.Asp2342Tyr; replaces aspartic acid 2342 with tyrosine.
Molecular consequence: missense variant.
Genome position (GRCh38, 1-based): chr15:44,564,674, C>A on the plus strand (G>T on the coding strand, the complement: SPG11 is on the minus strand). VCF-style: chr15-44564674-C-A. GRCh37 (hg19) VCF-style: chr15-44856872-C-A.
Other names: c.6685G>T, p.Asp2229Tyr (NM_001160227.2); short protein forms D2342Y, D2229Y.
Identifiers: ClinVar variation 1399271 (VCV001399271.6), dbSNP rs529842519, ClinGen allele CA7533918.

ClinVar aggregate classification (germline): Uncertain significance (1 of 4 stars; one submission).

Conditions:
Hereditary spastic paraplegia 11. Also called: Nakamura Osame syndrome; Autosomal recessive hereditary spastic paraplegia, mental impairment, and thin corpus callosum; Spastic Paraplegia 11; SPASTIC PARAPLEGIA, AUTOSOMAL RECESSIVE, COMPLICATED, WITH THIN CORPUS CALLOSUM; SPASTIC PARAPLEGIA, AUTOSOMAL RECESSIVE, WITH MENTAL IMPAIRMENT AND THIN CORPUS CALLOSUM; Spastic paraplegia, mental retardation and thin corpus callosum. Identifiers: Orphanet 2822, MedGen C1858479, MONDO:0011445, OMIM 604360.

gnomAD v4.1: 5 of 1,614,006 alleles (0.00031%); no homozygotes.

Submission:

Labcorp Genetics (formerly Invitae), Labcorp
Classification: Uncertain significance for Hereditary spastic paraplegia 11. Last evaluated: 2021-09-18. Review status: criteria provided, single submitter. Criteria: Invitae Variant Classification Sherloc (09022015). Collection method: clinical testing. Allele origin: germline.
Comment: This variant has not been reported in the literature in individuals affected with SPG11-related conditions. This sequence change replaces aspartic acid with tyrosine at codon 2342 of the SPG11 protein (p.Asp2342Tyr). The aspartic acid residue is moderately conserved and there is a large physicochemical difference between aspartic acid and tyrosine. This variant is present in population databases (rs529842519, ExAC 0.02%). Algorithms developed to predict the effect of missense changes on protein structure and function are either unavailable or do not agree on the potential impact of this missense change (SIFT: "Deleterious"; PolyPhen-2: "Probably Damaging"; Align-GVGD: "Class C0"). In summary, the available evidence is currently insufficient to determine the role of this variant in disease. Therefore, it has been classified as a Variant of Uncertain Significance.